The following is an entry in ClinVar:

NM_002739.5(PRKCG):c.1451A>T (p.Asp484Val)

Gene: PRKCG (protein kinase C gamma; plus strand). Cytogenetic location: 19q13.42.
Variant type: single nucleotide variant.
Coding change: c.1451A>T on transcript NM_002739.5 (MANE Select); coding-DNA position 1451, A replaced by T.
Protein change: p.Asp484Val; replaces aspartic acid 484 with valine.
Molecular consequence: missense variant.
Genome position (GRCh38, 1-based): chr19:53,900,625, A>T. VCF-style: chr19-53900625-A-T. GRCh37 (hg19) VCF-style: chr19-54403879-A-T.
Other names: c.1451A>T, p.Asp484Val (NM_001316329.2); short protein forms D484V.
Identifiers: ClinVar variation 2585226 (VCV002585226.1), dbSNP rs2514574356, ClinGen allele CA407418629.

ClinVar aggregate classification (germline): Uncertain significance (1 of 4 stars; one submission).

Conditions:
Autosomal recessive spinocerebellar ataxia 14. Also called: CEREBELLAR ATAXIA, AUTOSOMAL RECESSIVE, SPECTRIN-ASSOCIATED, 1. Identifiers: Orphanet 352403, MedGen C4706415, MONDO:0014159, OMIM 615386.

Submission:

Neuberg Centre For Genomic Medicine, NCGM
Classification: Uncertain significance for Autosomal recessive spinocerebellar ataxia 14. Review status: criteria provided, single submitter. Criteria: ACMG Guidelines, 2015. Collection method: clinical testing. Allele origin: germline. Inheritance: Autosomal dominant inheritance. Affected: yes.
Comment: The missense variant c.1451A>T (p.Asp484Val) in PRKCG gene has not been reported previously as a pathogenic variant nor as a benign variant, to our knowledge. This variant has not been reported to the ClinVar database. The p.Asp484Val variant is novel (not in any individuals) in gnomAD Exomes and 1000 Genomes. The amino acid Asp at position 484 is changed to a Val changing protein sequence and it might alter its composition and physico-chemical properties. The variant is predicted to be damaging by both SIFT and PolyPhen2. The residue is conserved across species. The amino acid change p.Asp484Val in PRKCG is predicted as conserved by GERP++ and PhyloP across 100 vertebrates. For these reasons, this variant has been classified as Uncertain Significance .